The following is an entry in ClinVar:

NM_005228.5(EGFR):c.2915C>A (p.Ala972Asp)

Gene: EGFR (epidermal growth factor receptor; plus strand). Cytogenetic location: 7p11.2.
Variant type: single nucleotide variant.
Coding change: c.2915C>A on transcript NM_005228.5 (MANE Select); coding-DNA position 2915, C replaced by A.
Protein change: p.Ala972Asp; replaces alanine 972 with aspartic acid.
Molecular consequence: missense variant.
Genome position (GRCh38, 1-based): chr7:55,200,382, C>A. VCF-style: chr7-55200382-C-A. GRCh37 (hg19) VCF-style: chr7-55268075-C-A.
Other names: c.2780C>A, p.Ala927Asp (NM_001346897.2, NM_001346899.2); c.2915C>A, p.Ala972Asp (NM_001346898.2); c.2756C>A, p.Ala919Asp (NM_001346900.2); c.2114C>A, p.Ala705Asp (NM_001346941.2); c.2915C>A (NM_005228.3); short protein forms A705D, A972D, A919D, A927D.
Identifiers: ClinVar variation 1039068 (VCV001039068.10), dbSNP rs1787794029, ClinGen allele CA367581964.

ClinVar aggregate classification (germline): Uncertain significance. Review status: criteria provided, multiple submitters, no conflicts (2 of 4 stars). 2 submissions from 2 submitters: Uncertain significance (2). Last evaluated 2025-09-18.

Conditions:
Hereditary cancer-predisposing syndrome. Also called: Neoplastic Syndromes, Hereditary; Hereditary Cancer Syndrome; Tumor predisposition; Hereditary neoplastic syndrome. Identifiers: Orphanet 140162, MedGen C0027672, MeSH D009386, MONDO:0015356.
EGFR-related lung cancer (EGFR). Identifiers: MedGen CN130014.

Submissions (2):

Ambry Genetics
Classification: Uncertain significance for Hereditary cancer-predisposing syndrome. Last evaluated: 2025-09-18. Review status: criteria provided, single submitter. Criteria: Ambry Variant Classification Scheme 2023. Collection method: clinical testing. Allele origin: germline.
Comment: The p.A972D variant (also known as c.2915C>A), located in coding exon 24 of the EGFR gene, results from a C to A substitution at nucleotide position 2915. The alanine at codon 972 is replaced by aspartic acid, an amino acid with dissimilar properties. This amino acid position is conserved. In addition, this alteration is predicted to be deleterious by in silico analysis. Based on the available evidence, the clinical significance of this variant remains unclear.

Labcorp Genetics (formerly Invitae), Labcorp
Classification: Uncertain significance for EGFR-related lung cancer. Last evaluated: 2020-05-10. Review status: criteria provided, single submitter. Criteria: Invitae Variant Classification Sherloc (09022015). Collection method: clinical testing. Allele origin: germline.
Comment: This sequence change replaces alanine with aspartic acid at codon 972 of the EGFR protein (p.Ala972Asp). The alanine residue is highly conserved and there is a moderate physicochemical difference between alanine and aspartic acid. This variant is not present in population databases (ExAC no frequency). This variant has not been reported in the literature in individuals with EGFR-related conditions. Algorithms developed to predict the effect of missense changes on protein structure and function are either unavailable or do not agree on the potential impact of this missense change (SIFT: "Deleterious"; PolyPhen-2: "Probably Damaging"; Align-GVGD: "Class C0"). In summary, the available evidence is currently insufficient to determine the role of this variant in disease. Therefore, it has been classified as a Variant of Uncertain Significance.